The following is an entry in ClinVar:

ClinVar aggregate classification (germline): Benign/Likely benign. Review status: criteria provided, multiple submitters, no conflicts (2 of 4 stars). 6 submissions from 6 submitters: Benign (3); Likely benign (2). 1 of the submissions does not count toward it. Last evaluated 2025-11-24.

Conditions:
Hereditary diffuse leukoencephalopathy with spheroids. Also called: LEUKOENCEPHALOPATHY, ADULT-ONSET, WITH AXONAL SPHEROIDS AND PIGMENTED GLIA. Identifiers: Orphanet 313808, MedGen C3711381, MONDO:0030796.
Brain abnormalities, neurodegeneration, and dysosteosclerosis. Identifiers: MedGen C5193117, MONDO:0032772, OMIM 618476.
Leukoencephalopathy, diffuse hereditary, with spheroids 1 (HDLS1). Also called: CSF1R-related adult-onset leukoencephalopathy with axonal spheroids and pigmented glia; DEMENTIA, FAMILIAL, NEUMANN TYPE; SUBCORTICAL GLIOSIS OF NEUMANN. Identifiers: Orphanet 313808, MedGen C5561929, MONDO:0800027, OMIM 221820.
CSF1R-related disorder. Also called: CSF1R-related condition. Identifiers: MedGen CN379780, MONDO:0100632.

Allele frequency attached by ClinVar (database versions not stated): gnomAD 0.00015 and 0.00019; TOPMed 0.00022; gnomAD exomes 0.00052; ExAC 0.00073; 1000 Genomes Project 30x 0.00109; 1000 Genomes Project 0.00120.
gnomAD v4.1: 167 of 1,611,460 alleles (0.01%); highest among the groups gnomAD compares: East Asian, 0.31%; no homozygotes.

Submissions (6):

Labcorp Genetics (formerly Invitae), Labcorp
Classification: Benign. Last evaluated: 2025-11-24. Review status: criteria provided, single submitter. Criteria: Invitae Variant Classification Sherloc (09022015). Collection method: clinical testing. Allele origin: germline.

CeGaT Center for Human Genetics Tuebingen
Classification: Likely benign. Last evaluated: 2025-10-01. Review status: criteria provided, single submitter. Criteria: CeGaT Center For Human Genetics Tuebingen Variant Classification Criteria Version 2. Collection method: clinical testing. Allele origin: germline. Affected: yes. Observed: 1 variant allele.
Comment: CSF1R: BP4, BP7

Blueprint Genetics
Classification: Likely benign. Last evaluated: 2024-10-03. Review status: criteria provided, single submitter. Criteria: ACMG Guidelines, 2015. Collection method: clinical testing. Allele origin: germline.

Fulgent Genetics
Classification: Benign for Leukoencephalopathy, diffuse hereditary, with spheroids 1; Brain abnormalities, neurodegeneration, and dysosteosclerosis. Last evaluated: 2021-10-07. Review status: criteria provided, single submitter. Criteria: ACMG Guidelines, 2015. Collection method: clinical testing. Allele origin: unknown.

Illumina Laboratory Services, Illumina
Classification: Benign for Leukoencephalopathy, diffuse hereditary, with spheroids 1. Last evaluated: 2018-01-13. Review status: criteria provided, single submitter. Criteria: ICSL Variant Classification Criteria 13 December 2019. Collection method: clinical testing. Allele origin: germline.
Comment: This variant was observed in the ICSL laboratory as part of a predisposition screen in an ostensibly healthy population. It had not been previously curated by ICSL or reported in the Human Gene Mutation Database (HGMD: prior to June 1st, 2018), and was therefore a candidate for classification through an automated scoring system. Utilizing variant allele frequency, disease prevalence and penetrance estimates, and inheritance mode, an automated score was calculated to assess if this variant is too frequent to cause the disease. Based on the score and internal cut-off values, a variant classified as benign is not then subjected to further curation. The score for this variant resulted in a classification of benign for this disease.

PreventionGenetics, part of Exact Sciences
Classification: Benign for CSF1R-related condition. Last evaluated: 2019-07-17. Review status: no assertion criteria provided. Collection method: clinical testing. Allele origin: germline. Not counted in ClinVar's aggregate classification.
Comment: This variant is classified as benign based on ACMG/AMP sequence variant interpretation guidelines (Richards et al. 2015 PMID: 25741868, with internal and published modifications).

NM_001288705.3(CSF1R):c.1929C>T (p.His643=)

Gene: CSF1R (colony stimulating factor 1 receptor; minus strand). Cytogenetic location: 5q32.
Variant type: single nucleotide variant.
Coding change: c.1929C>T on transcript NM_001288705.3 (MANE Select); coding-DNA position 1929, C replaced by T.
Protein change: p.His643=; no amino-acid change (histidine 643 retained).
Molecular consequence: synonymous variant. On other transcripts: non-coding transcript variant (2).
Genome position (GRCh38, 1-based): chr5:150,060,902, G>A on the plus strand (C>T on the coding strand, the complement: CSF1R is on the minus strand). VCF-style: chr5-150060902-G-A. GRCh37 (hg19) VCF-style: chr5-149440465-G-A.
Other names: c.1929C>T, p.His643= (NM_001349736.2, NM_001375320.1, NM_005211.4); c.1485C>T, p.His495= (NM_001375321.1).
Identifiers: ClinVar variation 352142 (VCV000352142.23), dbSNP rs184499252, ClinGen allele CA3506636.